The following is an entry in ClinVar:

ClinVar aggregate classification (germline): Pathogenic (1 of 4 stars; one submission).

Conditions:
Neurofibromatosis, type 1 (NF1). Also called: VON RECKLINGHAUSEN DISEASE; NEUROFIBROMATOSIS, TYPE I, SOMATIC; Neurofibromatosis, type I; Peripheral type neurofibromatosis. Identifiers: Orphanet 636, MedGen C0027831, MONDO:0018975, OMIM 162200. Disease mechanism: loss of function.

Submission:

Labcorp Genetics (formerly Invitae), Labcorp
Classification: Pathogenic for Neurofibromatosis, type 1. Last evaluated: 2019-05-03. Review status: criteria provided, single submitter. Criteria: Invitae Variant Classification Sherloc (09022015). Collection method: clinical testing. Allele origin: germline.
Comment: This sequence change inserts a large fragment of DNA, likely a transposable element, in exon 32 of the NF1 gene (c.4320_4321insAlu), causing a frameshift at codon p.Met1440 (p.Met1440fs). The exact size and sequence of the insertion cannot be determined by the current assay. However, the insertion is expected to result in an absent or disrupted protein product. This variant is not present in population databases (ExAC no frequency). This variant has not been reported in the literature in individuals with NF1-related conditions. Retrotransposon insertions including LINE1 (L1), Alu, and SVA (SINE-VNTR-Alu) have been reported to be disease-causing through disruption of either a coding region or splice site (PMID: 19763152, 20307669, 22406018) and loss-of-function variants in NF1 are known to be pathogenic (PMID: 10712197, 23913538). For these reasons, this variant has been classified as Pathogenic.

Literature cited by the submitters: PubMed 20307669; PubMed 23913538; PubMed 22406018; PubMed 19763152; PubMed 10712197.

NM_000267.3:c.4320_4321insAlu

Gene: NF1 (neurofibromin 1; plus strand). Cytogenetic location: 17q11.2.
Variant type: Insertion.
Identifiers: ClinVar variation 870261 (VCV000870261.1).